The following is an entry in ClinVar:

NM_000059.4(BRCA2):c.7007+4A>T

Gene: BRCA2 (BRCA2 DNA repair associated; plus strand). Cytogenetic location: 13q13.1.
Variant type: single nucleotide variant.
Coding change: c.7007+4A>T on transcript NM_000059.4 (MANE Select); 4 bases into the intron after coding-DNA position 7007, A replaced by T.
Molecular consequence: intron variant.
Genome position (GRCh38, 1-based): chr13:32,346,900, A>T. VCF-style: chr13-32346900-A-T. GRCh37 (hg19) VCF-style: chr13-32921037-A-T.
Identifiers: ClinVar variation 1756657 (VCV001756657.2), dbSNP rs876661201, ClinGen allele CA2580087343.

ClinVar aggregate classification (germline): Uncertain significance (1 of 4 stars; one submission).

Conditions:
Hereditary cancer-predisposing syndrome. Also called: Neoplastic Syndromes, Hereditary; Tumor predisposition; Hereditary Cancer Syndrome; Hereditary neoplastic syndrome. Identifiers: Orphanet 140162, MedGen C0027672, MeSH D009386, MONDO:0015356.

Submission:

Ambry Genetics
Classification: Uncertain significance for Hereditary cancer-predisposing syndrome. Last evaluated: 2021-12-03. Review status: criteria provided, single submitter. Criteria: Ambry Variant Classification Scheme 2023. Collection method: clinical testing. Allele origin: germline.
Comment: The c.7007+4A>T intronic variant results from an A to T substitution 4 nucleotides after coding exon 12 in the BRCA2 gene. This nucleotide position is highly conserved in available vertebrate species. In silico splice site analysis predicts that this alteration will not have any significant effect on splicing. RNA studies have demonstrated that this alteration results in an incomplete splice defect; the clinical impact of this abnormal splicing is unknown at this time (Ambry internal data). Since supporting evidence is limited at this time, the clinical significance of this alteration remains unclear.